The following is an entry in ClinVar:

ClinVar aggregate classification (germline): Uncertain significance. Review status: criteria provided, multiple submitters, no conflicts (2 of 4 stars). 3 submissions from 3 submitters: Uncertain significance (3). Last evaluated 2025-12-12.

Conditions:
GUCY2C-related disorder. Also called: GUCY2C-related condition.
Inborn genetic diseases. Identifiers: MedGen C0950123, MeSH D030342.

Allele frequency attached by ClinVar (database versions not stated): gnomAD 0.00001; gnomAD exomes 0.00001; TOPMed 0.00001.
gnomAD v4.1: 15 of 1,613,482 alleles (0.00093%); highest among the groups gnomAD compares: African/African-American, 0.0013%; no homozygotes.

Submissions (3):

PreventionGenetics, part of Exact Sciences
Classification: Uncertain significance for GUCY2C-related condition. Last evaluated: 2025-12-12. Review status: criteria provided, single submitter. Criteria: ACMG Guidelines, 2015. Collection method: clinical testing. Allele origin: germline.
Comment: The GUCY2C c.2300G>A variant is predicted to result in the amino acid substitution p.Arg767His. To our knowledge, this variant has not been reported in the literature. This variant is reported in 0.0023% of alleles in individuals of European (Non-Finnish) descent in gnomAD. At this time, the clinical significance of this variant is uncertain due to the absence of conclusive functional and genetic evidence.

Labcorp Genetics (formerly Invitae), Labcorp
Classification: Uncertain significance. Last evaluated: 2025-04-23. Review status: criteria provided, single submitter. Criteria: Invitae Variant Classification Sherloc (09022015). Collection method: clinical testing. Allele origin: germline.
Comment: This sequence change replaces arginine, which is basic and polar, with histidine, which is basic and polar, at codon 767 of the GUCY2C protein (p.Arg767His). This variant is present in population databases (no rsID available, gnomAD 0.002%). This variant has not been reported in the literature in individuals affected with GUCY2C-related conditions. ClinVar contains an entry for this variant (Variation ID: 1448004). Invitae Evidence Modeling of protein sequence and biophysical properties (such as structural, functional, and spatial information, amino acid conservation, physicochemical variation, residue mobility, and thermodynamic stability) indicates that this missense variant is expected to disrupt GUCY2C protein function with a positive predictive value of 80%. In summary, the available evidence is currently insufficient to determine the role of this variant in disease. Therefore, it has been classified as a Variant of Uncertain Significance.

Ambry Genetics
Classification: Uncertain significance for Inborn genetic diseases. Last evaluated: 2023-02-15. Review status: criteria provided, single submitter. Criteria: Ambry Variant Classification Scheme 2023. Collection method: clinical testing. Allele origin: germline.

NM_004963.4(GUCY2C):c.2300G>A (p.Arg767His)

Gene: GUCY2C (guanylate cyclase 2C; minus strand). Cytogenetic location: 12p12.3.
Variant type: single nucleotide variant.
Coding change: c.2300G>A on transcript NM_004963.4 (MANE Select); coding-DNA position 2300, G replaced by A.
Protein change: p.Arg767His; replaces arginine 767 with histidine.
Molecular consequence: missense variant.
Genome position (GRCh38, 1-based): chr12:14,625,865, C>T on the plus strand (G>A on the coding strand, the complement: GUCY2C is on the minus strand). VCF-style: chr12-14625865-C-T. GRCh37 (hg19) VCF-style: chr12-14778799-C-T.
Other names: c.2300G>A (NM_004963.3); short protein forms R767H.
Identifiers: ClinVar variation 1448004 (VCV001448004.10), dbSNP rs1410102769, ClinGen allele CA383997554.